The following is an entry in ClinVar:

NM_006506.5(RASA2):c.619C>G (p.Gln207Glu)

Gene: RASA2 (RAS p21 protein activator 2; plus strand). Cytogenetic location: 3q23.
Variant type: single nucleotide variant.
Coding change: c.619C>G on transcript NM_006506.5 (MANE Select); coding-DNA position 619, C replaced by G.
Protein change: p.Gln207Glu; replaces glutamine 207 with glutamic acid.
Molecular consequence: missense variant.
Genome position (GRCh38, 1-based): chr3:141,555,847, C>G. VCF-style: chr3-141555847-C-G. GRCh37 (hg19) VCF-style: chr3-141274689-C-G.
Other names: c.619C>G, p.Gln207Glu (NM_001303245.3, NM_001303246.3); short protein forms Q207E.
Identifiers: ClinVar variation 1752148 (VCV001752148.6), dbSNP rs779933474, ClinGen allele CA354772612.

ClinVar aggregate classification (germline): Uncertain significance. Review status: criteria provided, multiple submitters, no conflicts (2 of 4 stars). 3 submissions from 3 submitters: Uncertain significance (3). Last evaluated 2024-12-13.

gnomAD v4.1: 1 of 1,611,262 alleles (0.000062%); highest among the groups gnomAD compares: South Asian, 0.0011%; no homozygotes.

Submissions (3):

Ambry Genetics
Classification: Uncertain significance. Last evaluated: 2024-12-13. Review status: criteria provided, single submitter. Criteria: Ambry Variant Classification Scheme 2023. Collection method: clinical testing. Allele origin: germline.
Comment: The p.Q207E variant (also known as c.619C>G), located in coding exon 7 of the RASA2 gene, results from a C to G substitution at nucleotide position 619. The glutamine at codon 207 is replaced by glutamic acid, an amino acid with highly similar properties. This amino acid position is conserved. In addition, this alteration is predicted to be tolerated by in silico analysis. Since supporting evidence is limited at this time, the clinical significance of this alteration remains unclear.

Blueprint Genetics
Classification: Uncertain significance. Last evaluated: 2024-08-20. Review status: criteria provided, single submitter. Criteria: ACMG Guidelines, 2015. Collection method: clinical testing. Allele origin: germline.

Labcorp Genetics (formerly Invitae), Labcorp
Classification: Uncertain significance. Last evaluated: 2024-05-27. Review status: criteria provided, single submitter. Criteria: Invitae Variant Classification Sherloc (09022015). Collection method: clinical testing. Allele origin: germline.
Comment: This sequence change replaces glutamine, which is neutral and polar, with glutamic acid, which is acidic and polar, at codon 207 of the RASA2 protein (p.Gln207Glu). This variant is present in population databases (no rsID available, gnomAD 0.003%). This variant has not been reported in the literature in individuals affected with RASA2-related conditions. ClinVar contains an entry for this variant (Variation ID: 1752148). Advanced modeling of protein sequence and biophysical properties (such as structural, functional, and spatial information, amino acid conservation, physicochemical variation, residue mobility, and thermodynamic stability) performed at Invitae indicates that this missense variant is not expected to disrupt RASA2 protein function with a negative predictive value of 80%. In summary, the available evidence is currently insufficient to determine the role of this variant in disease. Therefore, it has been classified as a Variant of Uncertain Significance.